The following is an entry in ClinVar:

ClinVar aggregate classification (germline): Uncertain significance (1 of 4 stars; one submission).

Conditions:
Cardiovascular phenotype. Identifiers: MedGen CN230736.

Submission:

Ambry Genetics
Classification: Uncertain significance for Cardiovascular phenotype. Last evaluated: 2025-02-01. Review status: criteria provided, single submitter. Criteria: Ambry Variant Classification Scheme 2023. Collection method: clinical testing. Allele origin: germline.
Comment: The p.H849R variant (also known as c.2546A>G), located in coding exon 16 of the DSC2 gene, results from an A to G substitution at nucleotide position 2546. The histidine at codon 849 is replaced by arginine, an amino acid with highly similar properties. This amino acid position is conserved. In addition, this alteration is predicted to be tolerated by in silico analysis. Based on the available evidence, the clinical significance of this variant remains unclear.

NM_024422.6(DSC2):c.2546A>G (p.His849Arg)

Gene: DSC2 (desmocollin 2; minus strand). Cytogenetic location: 18q12.1.
Variant type: single nucleotide variant.
Coding change: c.2546A>G on transcript NM_024422.6 (MANE Select); coding-DNA position 2546, A replaced by G.
Protein change: p.His849Arg; replaces histidine 849 with arginine.
Molecular consequence: missense variant. On other transcripts: 3 prime UTR variant (2).
Genome position (GRCh38, 1-based): chr18:31,068,175, T>C on the plus strand (A>G on the coding strand, the complement: DSC2 is on the minus strand). VCF-style: chr18-31068175-T-C. GRCh37 (hg19) VCF-style: chr18-28648141-T-C.
Other names: c.2117A>G, p.His706Arg (NM_001406506.1); c.*48A>G (NM_001406507.1, NM_004949.5); short protein forms H706R, H849R.
Identifiers: ClinVar variation 3842521 (VCV003842521.1).